The following is an entry in ClinVar:

NM_001194998.2(CEP152):c.4472C>T (p.Pro1491Leu)

Gene: CEP152 (centrosomal protein 152; minus strand). Cytogenetic location: 15q21.1.
Variant type: single nucleotide variant.
Coding change: c.4472C>T on transcript NM_001194998.2 (MANE Select); coding-DNA position 4472, C replaced by T.
Protein change: p.Pro1491Leu; replaces proline 1491 with leucine.
Molecular consequence: missense variant.
Genome position (GRCh38, 1-based): chr15:48,738,910, G>A on the plus strand (C>T on the coding strand, the complement: CEP152 is on the minus strand). VCF-style: chr15-48738910-G-A. GRCh37 (hg19) VCF-style: chr15-49031107-G-A.
Other names: c.4304C>T, p.Pro1435Leu (NM_014985.4); c.4472C>T (NM_001194998.1); short protein forms P1435L, P1491L.
Identifiers: ClinVar variation 2175779 (VCV002175779.2), dbSNP rs764880513, ClinGen allele CA7548090.

ClinVar aggregate classification (germline): Uncertain significance. Review status: criteria provided, single submitter (1 of 4 stars). 2 submissions from 2 submitters: Uncertain significance (1). 1 of the submissions does not count toward it. Last evaluated 2022-07-05.

Conditions:
CEP152-related disorder. Also called: CEP152-related condition; CEP152-related disorders. Identifiers: MedGen CN239248.

Allele frequency attached by ClinVar (database versions not stated): gnomAD 0.00005.
gnomAD v4.1: 71 of 1,614,064 alleles (0.0044%); highest among the groups gnomAD compares: South Asian, 0.026%; no homozygotes.

Submissions (2):

Labcorp Genetics (formerly Invitae), Labcorp
Classification: Uncertain significance. Last evaluated: 2022-07-05. Review status: criteria provided, single submitter. Criteria: Invitae Variant Classification Sherloc (09022015). Collection method: clinical testing. Allele origin: germline.
Comment: This sequence change replaces proline, which is neutral and non-polar, with leucine, which is neutral and non-polar, at codon 1435 of the CEP152 protein (p.Pro1435Leu). This variant is present in population databases (rs764880513, gnomAD 0.03%). This variant has not been reported in the literature in individuals affected with CEP152-related conditions. Algorithms developed to predict the effect of missense changes on protein structure and function output the following: SIFT: "Tolerated"; PolyPhen-2: "Benign"; Align-GVGD: "Class C0". The leucine amino acid residue is found in multiple mammalian species, which suggests that this missense change does not adversely affect protein function. In summary, the available evidence is currently insufficient to determine the role of this variant in disease. Therefore, it has been classified as a Variant of Uncertain Significance.

PreventionGenetics, part of Exact Sciences
Classification: Uncertain significance for CEP152-related condition. Last evaluated: 2024-04-23. Review status: no assertion criteria provided. Collection method: clinical testing. Allele origin: germline. Not counted in ClinVar's aggregate classification.
Comment: The CEP152 c.4472C>T variant is predicted to result in the amino acid substitution p.Pro1491Leu. To our knowledge, this variant has not been reported in the literature. This variant is reported in 0.029% of alleles in individuals of South Asian descent in gnomAD. At this time, the clinical significance of this variant is uncertain due to the absence of conclusive functional and genetic evidence.